The following is an entry in ClinVar:

ClinVar aggregate classification (germline): Pathogenic/Likely pathogenic. Review status: no assertion criteria provided (0 of 4 stars). 2 submissions from 2 submitters: Pathogenic (1); Likely pathogenic (1). Last evaluated 2024-09-05.

Conditions:
FLT4-related disorder. Also called: FLT4-related condition.
Hereditary lymphedema type I (LMPHM1). Also called: LYMPHATIC MALFORMATION 1; Nonne-Milroy disease; Congenital hereditary lymphedema; Early onset lymphedema; Hereditary lymphedema 1; Primary congenital lymphedema. Identifiers: Orphanet 79452, MedGen C1704423, MONDO:0007919, OMIM 153100.

Submissions (2):

PreventionGenetics, part of Exact Sciences
Classification: Likely pathogenic for FLT4-related condition. Last evaluated: 2024-09-05. Review status: no assertion criteria provided. Collection method: clinical testing. Allele origin: germline.
Comment: The FLT4 c.3257T>C variant is predicted to result in the amino acid substitution p.Ile1086Thr. This variant has not been reported in the gnomAD database, indicating this variant is rare. Taken together, this variant is interpreted as likely pathogenic.

OMIM
Classification: Pathogenic for LYMPHATIC MALFORMATION 1. Last evaluated: 2006-10-01. Review status: no assertion criteria provided. Collection method: literature only. Allele origin: germline.

Literature cited by the submitters: PubMed 16965327 (cited by OMIM).

NM_182925.5(FLT4):c.3257T>C (p.Ile1086Thr)

Gene: FLT4 (fms related receptor tyrosine kinase 4; minus strand). Cytogenetic location: 5q35.3.
Variant type: single nucleotide variant.
Coding change: c.3257T>C on transcript NM_182925.5 (MANE Select); coding-DNA position 3257, T replaced by C.
Protein change: p.Ile1086Thr; replaces isoleucine 1086 with threonine.
Molecular consequence: missense variant.
Genome position (GRCh38, 1-based): chr5:180,614,142, A>G on the plus strand (T>C on the coding strand, the complement: FLT4 is on the minus strand). VCF-style: chr5-180614142-A-G. GRCh37 (hg19) VCF-style: chr5-180041142-A-G.
Other names: c.3257T>C (NM_182925.4); c.3257T>C, p.Ile1086Thr (NM_001354989.2, NM_002020.5); short protein forms I1086T.
Identifiers: ClinVar variation 16266 (VCV000016266.3), dbSNP rs121909655, ClinGen allele CA257470.